The following is an entry in ClinVar:

NM_001080442.3(SLC38A8):c.1214+1G>T

Gene: SLC38A8 (solute carrier family 38 member 8; minus strand). Cytogenetic location: 16q23.3.
Variant type: single nucleotide variant.
Coding change: c.1214+1G>T on transcript NM_001080442.3 (MANE Select); the canonical splice donor site of the intron after coding-DNA position 1214, G replaced by T.
Molecular consequence: splice donor variant.
Genome position (GRCh38, 1-based): chr16:84,013,000, C>A on the plus strand (G>T on the coding strand, the complement: SLC38A8 is on the minus strand). VCF-style: chr16-84013000-C-A. GRCh37 (hg19) VCF-style: chr16-84046605-C-A.
Identifiers: ClinVar variation 2446429 (VCV002446429.2), dbSNP rs747096444, ClinGen allele CA396930099.

ClinVar aggregate classification (germline): Uncertain significance (0 of 4 stars; one submission).

Conditions:
Foveal hypoplasia - optic nerve decussation defect - anterior segment dysgenesis syndrome. Also called: FOVEAL HYPOPLASIA 2 WITH OPTIC NERVE DECUSSATION DEFECTS AND ANTERIOR SEGMENT DYSGENESIS WITHOUT ALBINISM; Foveal hypoplasia 2; FOVEAL HYPOPLASIA 2 WITH OR WITHOUT OPTIC NERVE MISROUTING AND/OR ANTERIOR SEGMENT DYSGENESIS; FOVEAL HYPOPLASIA 2 WITH OR WITHOUT MICROPHTHALMIA OR COLOBOMA. Identifiers: Orphanet 397618, MedGen C3807873, MONDO:0012216, OMIM 609218.

Submission:

Payam Genetics Center, General Welfare Department of North Khorasan Province
Classification: Uncertain significance for Foveal hypoplasia - optic nerve decussation defect - anterior segment dysgenesis syndrome. Last evaluated: 2023-03-01. Review status: no assertion criteria provided. Collection method: clinical testing. Allele origin: germline. Affected: yes. Observed: 1 variant allele.
Comment: This sequence change affects a donor splice site in intron 9 of the SLC38A8 gene. While this variant is not anticipated to result in nonsense mediated decay, it likely alters RNA splicing and results in a disrupted protein product. This variant is not present in population databases (ExAC no frequency). This variant has not been reported in the literature in individuals affected with SLC38A8-related conditions and Iranom ( Iranian population genom). Variants that disrupt the consensus splice site are a relatively common cause of aberrant splicing (PMID: 17576681, 9536098). Algorithms developed to predict the effect of sequence changes on RNA splicing suggest that this variant may disrupt the consensus splice site. This variant disrupts a region of the SLC38A8 protein in whichThis suggests that this is a clinically significant region of the protein, and that variants that disrupt it are likely to be disease-causing. In summary, the available evidence is currently insufficient to determine the role of this variant in disease. Therefore, it has been classified as a Variant of Uncertain Significance.

Literature cited by the submitters: PubMed 33498813; PubMed 24290379; PubMed 32032626.